The following is an entry in ClinVar:

ClinVar aggregate classification (germline): Uncertain significance (1 of 4 stars; one submission).

Conditions:
Arrhythmogenic right ventricular dysplasia 11. Also called: ARRHYTHMOGENIC RIGHT VENTRICULAR DYSPLASIA, FAMILIAL, 11; Arrhythmogenic Right Ventricular Dysplasia/Cardiomyopathy11; Arrhythmogenic right ventricular dysplasia 11 with mild palmoplantar keratoderma and woolly hair. Identifiers: MedGen C1864850, MONDO:0012506, OMIM 610476.

Submission:

Labcorp Genetics (formerly Invitae), Labcorp
Classification: Uncertain significance for Arrhythmogenic right ventricular dysplasia 11. Last evaluated: 2025-11-18. Review status: criteria provided, single submitter. Criteria: Invitae Variant Classification Sherloc (09022015). Collection method: clinical testing. Allele origin: germline.
Comment: This sequence change replaces glycine, which is neutral and non-polar, with cysteine, which is neutral and slightly polar, at codon 8 of the DSC2 protein (p.Gly8Cys). This variant is not present in population databases (gnomAD no frequency). This variant has not been reported in the literature in individuals affected with DSC2-related conditions. An algorithm developed to predict the effect of missense changes on protein structure and function outputs the following: PolyPhen-2: "Benign". The cysteine amino acid residue is found in multiple mammalian species, which suggests that this missense change does not adversely affect protein function. In summary, the available evidence is currently insufficient to determine the role of this variant in disease. Therefore, it has been classified as a Variant of Uncertain Significance.

NM_024422.6(DSC2):c.22G>T (p.Gly8Cys)

Genes: DSC2 (desmocollin 2; minus strand), DSCAS (DSC1/DSC2 antisense RNA; plus strand). Cytogenetic location: 18q12.1.
Variant type: single nucleotide variant.
Coding change: c.22G>T on transcript NM_024422.6 (MANE Select); coding-DNA position 22, G replaced by T.
Protein change: p.Gly8Cys; replaces glycine 8 with cysteine.
Molecular consequence: missense variant.
Genome position (GRCh38, 1-based): chr18:31,101,950, C>A on the plus strand (G>T on the coding strand, the complement: DSC2 is on the minus strand). VCF-style: chr18-31101950-C-A. GRCh37 (hg19) VCF-style: chr18-28681913-C-A.
Other names: c.22G>T, p.Gly8Cys (NM_004949.5); short protein forms G8C.
Identifiers: ClinVar variation 4797220 (VCV004797220.1).